The following is an entry in ClinVar:

NM_005861.4(STUB1):c.521A>G (p.Glu174Gly)

Gene: STUB1 (STIP1 homology and U-box containing protein 1; plus strand). Cytogenetic location: 16p13.3.
Variant type: single nucleotide variant.
Coding change: c.521A>G on transcript NM_005861.4 (MANE Select); coding-DNA position 521, A replaced by G.
Protein change: p.Glu174Gly; replaces glutamic acid 174 with glycine.
Molecular consequence: missense variant.
Genome position (GRCh38, 1-based): chr16:681,600, A>G. VCF-style: chr16-681600-A-G. GRCh37 (hg19) VCF-style: chr16-731600-A-G.
Other names: c.305A>G, p.Glu102Gly (NM_001293197.2); short protein forms E102G, E174G.
Identifiers: ClinVar variation 2460187 (VCV002460187.4), dbSNP rs370181948, ClinGen allele CA7786612.

ClinVar aggregate classification (germline): Uncertain significance. Review status: criteria provided, multiple submitters, no conflicts (2 of 4 stars). 2 submissions from 2 submitters: Uncertain significance (2). Last evaluated 2025-01-12.

Conditions:
Inborn genetic diseases. Identifiers: MedGen C0950123, MeSH D030342.

Allele frequency attached by ClinVar (database versions not stated): gnomAD 0.00001; TOPMed 0.00001; ExAC 0.00002; gnomAD exomes 0.00003; ESP Exome Variant Server 0.00008.

Submissions (2):

Labcorp Genetics (formerly Invitae), Labcorp
Classification: Uncertain significance. Last evaluated: 2025-01-12. Review status: criteria provided, single submitter. Criteria: Invitae Variant Classification Sherloc (09022015). Collection method: clinical testing. Allele origin: germline.
Comment: This sequence change replaces glutamic acid, which is acidic and polar, with glycine, which is neutral and non-polar, at codon 174 of the STUB1 protein (p.Glu174Gly). This variant is present in population databases (rs370181948, gnomAD 0.003%). This variant has not been reported in the literature in individuals affected with STUB1-related conditions. ClinVar contains an entry for this variant (Variation ID: 2460187). Invitae Evidence Modeling of protein sequence and biophysical properties (such as structural, functional, and spatial information, amino acid conservation, physicochemical variation, residue mobility, and thermodynamic stability) indicates that this missense variant is not expected to disrupt STUB1 protein function with a negative predictive value of 80%. Algorithms developed to predict the effect of sequence changes on RNA splicing suggest that this variant may disrupt the consensus splice site. In summary, the available evidence is currently insufficient to determine the role of this variant in disease. Therefore, it has been classified as a Variant of Uncertain Significance.

Ambry Genetics
Classification: Uncertain significance for Inborn genetic diseases. Last evaluated: 2023-02-14. Review status: criteria provided, single submitter. Criteria: Ambry Variant Classification Scheme 2023. Collection method: clinical testing. Allele origin: germline.